The following is an entry in ClinVar:

NM_000097.7(CPOX):c.1108A>G (p.Lys370Glu)

Gene: CPOX (coproporphyrinogen oxidase; minus strand). Cytogenetic location: 3q11.2.
Variant type: single nucleotide variant.
Coding change: c.1108A>G on transcript NM_000097.7 (MANE Select); coding-DNA position 1108, A replaced by G.
Protein change: p.Lys370Glu; replaces lysine 370 with glutamic acid.
Molecular consequence: missense variant.
Genome position (GRCh38, 1-based): chr3:98,585,505, T>C on the plus strand (A>G on the coding strand, the complement: CPOX is on the minus strand). VCF-style: chr3-98585505-T-C. GRCh37 (hg19) VCF-style: chr3-98304349-T-C.
Other names: c.1108A>G, p.Lys370Glu (LRG_1077t1); short protein forms K370E.
Identifiers: ClinVar variation 346975 (VCV000346975.5), dbSNP rs778583962, ClinGen allele CA2511520.

ClinVar aggregate classification (germline): Benign (1 of 4 stars; one submission).

Conditions:
Hereditary coproporphyria (HCP). Also called: Hereditary coproporphyria porphyria; Porphyria hepatica coproporphyria; Porphyria hepatica II; CPRO deficiency; COPROPORPHYRINOGEN OXIDASE DEFICIENCY; CPO DEFICIENCY. Identifiers: Orphanet 79273, MedGen C0162531, MONDO:0007369, OMIM 121300.

Allele frequency attached by ClinVar (database versions not stated): ExAC 0.00002; gnomAD exomes 0.00002.
gnomAD v4.1: 14 of 1,614,130 alleles (0.00087%); highest among the groups gnomAD compares: East Asian, 0.031%; no homozygotes.

Submission:

Illumina Laboratory Services, Illumina
Classification: Benign for Hereditary coproporphyria. Last evaluated: 2018-01-13. Review status: criteria provided, single submitter. Criteria: ICSL Variant Classification Criteria 13 December 2019. Collection method: clinical testing. Allele origin: germline.
Comment: This variant was observed in the ICSL laboratory as part of a predisposition screen in an ostensibly healthy population. It had not been previously curated by ICSL or reported in the Human Gene Mutation Database (HGMD: prior to June 1st, 2018), and was therefore a candidate for classification through an automated scoring system. Utilizing variant allele frequency, disease prevalence and penetrance estimates, and inheritance mode, an automated score was calculated to assess if this variant is too frequent to cause the disease. Based on the score and internal cut-off values, a variant classified as benign is not then subjected to further curation. The score for this variant resulted in a classification of benign for this disease.